The following is an entry in ClinVar:

NM_022107.3(GPSM3):c.-102+235C>T

Gene: GPSM3 (G protein signaling modulator 3; minus strand). Cytogenetic location: 6p21.32.
Variant type: single nucleotide variant.
Coding change: c.-102+235C>T on transcript NM_022107.3; 235 bases into the intron after 102 bases upstream of the start codon, C replaced by T.
Molecular consequence: intron variant.
Genome position (GRCh38, 1-based): chr6:32,194,075, G>A on the plus strand (C>T on the coding strand, the complement: GPSM3 is on the minus strand). VCF-style: chr6-32194075-G-A. GRCh37 (hg19) VCF-style: chr6-32161852-G-A.
Identifiers: ClinVar variation 1294559 (VCV001294559.4), dbSNP rs204989, ClinGen allele CA136926547.

ClinVar aggregate classification (germline): Benign (1 of 4 stars; one submission).

Allele frequency attached by ClinVar (database versions not stated): TOPMed 0.21349; 1000 Genomes Project 30x 0.23126; 1000 Genomes Project 0.23283; gnomAD 0.21004 and 0.21002.
gnomAD v4.1: 31,843 of 152,154 alleles (21%); highest among the groups gnomAD compares: East Asian, 30%; 3,588 homozygotes.

Submission:

GeneDx
Classification: Benign. Last evaluated: 2020-10-29. Review status: criteria provided, single submitter. Criteria: GeneDx Variant Classification Process June 2021. Collection method: clinical testing. Allele origin: germline. Affected: yes.
Comment: This variant is associated with the following publications: (PMID: 26821282)